The following is an entry in ClinVar:

ClinVar aggregate classification (germline): Pathogenic (1 of 4 stars; one submission).

Conditions:
Autosomal recessive spastic paraplegia type 76. Identifiers: Orphanet 488594, MedGen C5567483, MONDO:0014827, OMIM 616907.

Submission:

Women's Health and Genetics/Laboratory Corporation of America, LabCorp
Classification: Pathogenic for Autosomal recessive spastic paraplegia type 76. Last evaluated: 2023-12-19. Review status: criteria provided, single submitter. Criteria: LabCorp Variant Classification Summary - May 2015. Collection method: clinical testing. Allele origin: germline.
Comment: Variant summary: The variant involves the deletion of exons 11-14 in the CAPN1 gene. A presumed nomenclature of c.(1165+1_1166-1)_(1605+1_1606-1)del has been designated for the purposes of this classification. This Copy Number Variant (CNV) is expected to alter the reading frame and predicted to result in a truncation or absence of the encoded protein due to nonsense mediated decay (NMD). The variant was absent in 21694 control chromosomes (gnomAD, structure variants dataset). To our knowledge, no occurrence of c.(1165+1_1166-1)_(1605+1_1606-1)del in individuals affected with Autosomal Recessive Spastic Paraplegia Type 76 and no experimental evidence demonstrating its impact on protein function have been reported. No submitters have cited clinical-significance assessments for this variant to ClinVar after 2014. Based on the evidence outlined above, the variant was classified as pathogenic.

NC_000011.9:g.(64956218_64972153)_(64974291_64975525)del

Gene: CAPN1 (calpain 1; plus strand). Cytogenetic location: 11q13.1.
Variant type: Deletion.
Identifiers: ClinVar variation 2691341 (VCV002691341.1).